The following is an entry in ClinVar:

NM_002299.4(LCT):c.4976+1G>T

Gene: LCT (lactase; minus strand). Cytogenetic location: 2q21.3.
Variant type: single nucleotide variant.
Coding change: c.4976+1G>T on transcript NM_002299.4 (MANE Select); the canonical splice donor site of the intron after coding-DNA position 4976, G replaced by T.
Molecular consequence: splice donor variant.
Genome position (GRCh38, 1-based): chr2:135,798,028, C>A on the plus strand (G>T on the coding strand, the complement: LCT is on the minus strand). VCF-style: chr2-135798028-C-A. GRCh37 (hg19) VCF-style: chr2-136555598-C-A.
Identifiers: ClinVar variation 2847502 (VCV002847502.3), dbSNP rs2467490891, ClinGen allele CA348590814.

ClinVar aggregate classification (germline): Likely pathogenic (1 of 4 stars; one submission).

Submission:

Labcorp Genetics (formerly Invitae), Labcorp
Classification: Likely pathogenic. Last evaluated: 2023-03-19. Review status: criteria provided, single submitter. Criteria: Invitae Variant Classification Sherloc (09022015). Collection method: clinical testing. Allele origin: germline.
Comment: This sequence change affects a donor splice site in intron 13 of the LCT gene. It is expected to disrupt RNA splicing. Variants that disrupt the donor or acceptor splice site typically lead to a loss of protein function (PMID: 16199547), and loss-of-function variants in LCT are known to be pathogenic (PMID: 16400612, 25881162). This variant is not present in population databases (gnomAD no frequency). This variant has not been reported in the literature in individuals affected with LCT-related conditions. Algorithms developed to predict the effect of sequence changes on RNA splicing suggest that this variant may disrupt the consensus splice site. In summary, the currently available evidence indicates that the variant is pathogenic, but additional data are needed to prove that conclusively. Therefore, this variant has been classified as Likely Pathogenic.

Literature cited by the submitters: PubMed 16199547; PubMed 16400612; PubMed 25881162.